The following is an entry in ClinVar:

ClinVar aggregate classification (germline): Likely pathogenic (1 of 4 stars; one submission).

Conditions:
Autosomal recessive proximal renal tubular acidosis (PRTAO). Also called: RTA, PROXIMAL, AUTOSOMAL RECESSIVE; PROXIMAL RENAL TUBULAR ACIDOSIS-OCULAR ANOMALY SYNDROME; RENAL TUBULAR ACIDOSIS, PROXIMAL, WITH OCULAR ABNORMALITIES AND MENTAL RETARDATION; RENAL TUBULAR ACIDOSIS, PROXIMAL, WITH OCULAR ABNORMALITIES AND IMPAIRED INTELLECTUAL DEVELOPMENT. Identifiers: Orphanet 93607, MedGen C1970309, MONDO:0011422, OMIM 604278.

Submission:

Rare Kidney Stone Consortium and the Mayo Clinic Hyperoxaluria Center, Mayo Clinic
Classification: Likely pathogenic for Autosomal recessive proximal renal tubular acidosis. Last evaluated: 2025-10-03. Review status: criteria provided, single submitter. Criteria: ACMG Guidelines, 2015. Collection method: research. Allele origin: germline. Observed: 1 variant allele.
Comment: ACMG:PVS1, PM2

Literature cited by the submitters: PubMed 40794449.

NM_001098484.3(SLC4A4):c.1677_1681del (p.Trp560fs)

Genes: SLC4A4 (solute carrier family 4 member 4; plus strand), LOC126807073 (MED14-independent group 3 enhancer GRCh37_chr4:72338203-72339402; plus strand). Cytogenetic location: 4q13.3.
Variant type: Deletion.
Coding change: c.1677_1681del on transcript NM_001098484.3 (MANE Select); coding-DNA positions 1677 to 1681, 5 bases deleted (GTGGT; older notation c.1677_1681delGTGGT).
Protein change: p.Trp560fs; shifts the reading frame from tryptophan 560.
Molecular consequence: frameshift variant.
Genome position (GRCh38, 1-based): chr4:71,472,744-71,472,748, GTGGT deleted; deleting any 5 consecutive bases within chr4:71,472,743-71,472,748 gives the same sequence; the c. name uses the placement nearest the transcript's 3' end. VCF-style (leftmost placement, unchanged base first): chr4-71472742-CTGTGG-C. GRCh37 (hg19) VCF-style: chr4-72338459-CTGTGG-C.
Other names: c.1677_1681del, p.Trp560fs (NM_001134742.2); c.1692_1696del, p.Trp565fs (NM_001440628.1); c.1770_1774del, p.Trp591fs (NM_001440629.1); c.1545_1549del, p.Trp516fs (NM_003759.4); short protein forms W516fs, W560fs, W565fs, W591fs.
Identifiers: ClinVar variation 4526832 (VCV004526832.1).